The following is an entry in ClinVar:

ClinVar aggregate classification (germline): Uncertain significance. Review status: criteria provided, multiple submitters, no conflicts (2 of 4 stars). 2 submissions from 2 submitters: Uncertain significance (2). Last evaluated 2025-01-16.

Conditions:
Neurofibromatosis, type 1 (NF1). Also called: Peripheral type neurofibromatosis; VON RECKLINGHAUSEN DISEASE; Neurofibromatosis, type I; NEUROFIBROMATOSIS, TYPE I, SOMATIC. Identifiers: Orphanet 636, MedGen C0027831, MONDO:0018975, OMIM 162200. Disease mechanism: loss of function.
Hereditary cancer-predisposing syndrome. Also called: Hereditary neoplastic syndrome; Hereditary Cancer Syndrome; Neoplastic Syndromes, Hereditary; Tumor predisposition. Identifiers: Orphanet 140162, MedGen C0027672, MeSH D009386, MONDO:0015356.
Cardiovascular phenotype. Identifiers: MedGen CN230736.

Submissions (2):

Ambry Genetics
Classification: Uncertain significance for Cardiovascular phenotype; Hereditary cancer-predisposing syndrome. Last evaluated: 2025-01-16. Review status: criteria provided, single submitter. Criteria: Ambry Variant Classification Scheme 2023. Collection method: clinical testing. Allele origin: germline.
Comment: The p.M1180I variant (also known as c.3540G>A), located in coding exon 27 of the NF1 gene, results from a G to A substitution at nucleotide position 3540. The methionine at codon 1180 is replaced by isoleucine, an amino acid with highly similar properties. This amino acid position is highly conserved in available vertebrate species. In addition, this alteration is predicted to be deleterious by in silico analysis. Based on the available evidence, the clinical significance of this variant remains unclear.

Labcorp Genetics (formerly Invitae), Labcorp
Classification: Uncertain significance for Neurofibromatosis, type 1. Last evaluated: 2023-11-17. Review status: criteria provided, single submitter. Criteria: Invitae Variant Classification Sherloc (09022015). Collection method: clinical testing. Allele origin: germline.
Comment: This sequence change replaces methionine, which is neutral and non-polar, with isoleucine, which is neutral and non-polar, at codon 1180 of the NF1 protein (p.Met1180Ile). This variant is not present in population databases (gnomAD no frequency). This variant has not been reported in the literature in individuals affected with NF1-related conditions. Advanced modeling of protein sequence and biophysical properties (such as structural, functional, and spatial information, amino acid conservation, physicochemical variation, residue mobility, and thermodynamic stability) has been performed at Invitae for this missense variant, however the output from this modeling did not meet the statistical confidence thresholds required to predict the impact of this variant on NF1 protein function. This variant disrupts the p.Met1180 amino acid residue in NF1. Other variant(s) that disrupt this residue have been determined to be pathogenic (PMID: 36672847; Invitae). This suggests that this residue is clinically significant, and that variants that disrupt this residue are likely to be disease-causing. In summary, the available evidence is currently insufficient to determine the role of this variant in disease. Therefore, it has been classified as a Variant of Uncertain Significance.

Literature cited by the submitters: PubMed 36672847 (cited by Labcorp Genetics (formerly Invitae), Labcorp).

NM_001042492.3(NF1):c.3540G>A (p.Met1180Ile)

Gene: NF1 (neurofibromin 1; plus strand). Cytogenetic location: 17q11.2.
Variant type: single nucleotide variant.
Coding change: c.3540G>A on transcript NM_001042492.3 (MANE Select); coding-DNA position 3540, G replaced by A.
Protein change: p.Met1180Ile; replaces methionine 1180 with isoleucine.
Molecular consequence: missense variant.
Genome position (GRCh38, 1-based): chr17:31,233,045, G>A. VCF-style: chr17-31233045-G-A. GRCh37 (hg19) VCF-style: chr17-29560063-G-A.
Other names: c.3540G>A, p.Met1180Ile (NM_000267.4); short protein forms M1180I.
Identifiers: ClinVar variation 3007860 (VCV003007860.4), dbSNP rs2151435368, ClinGen allele CA398989922.